The following is an entry in ClinVar:

ClinVar aggregate classification (germline): Uncertain significance (1 of 4 stars; one submission).

gnomAD v4.1: 6 of 1,283,634 alleles (0.00047%); highest among the groups gnomAD compares: Admixed American, 0.0037%; no homozygotes.

Submission:

Labcorp Genetics (formerly Invitae), Labcorp
Classification: Uncertain significance. Last evaluated: 2024-10-30. Review status: criteria provided, single submitter. Criteria: Invitae Variant Classification Sherloc (09022015). Collection method: clinical testing. Allele origin: germline.
Comment: This sequence change replaces proline, which is neutral and non-polar, with arginine, which is basic and polar, at codon 58 of the KMT2A protein (p.Pro58Arg). This variant is not present in population databases (gnomAD no frequency). This variant has not been reported in the literature in individuals affected with KMT2A-related conditions. ClinVar contains an entry for this variant (Variation ID: 2900983). Invitae Evidence Modeling of protein sequence and biophysical properties (such as structural, functional, and spatial information, amino acid conservation, physicochemical variation, residue mobility, and thermodynamic stability) has been performed for this missense variant. However, the output from this modeling did not meet the statistical confidence thresholds required to predict the impact of this variant on KMT2A protein function. In summary, the available evidence is currently insufficient to determine the role of this variant in disease. Therefore, it has been classified as a Variant of Uncertain Significance.

NM_001197104.2(KMT2A):c.173C>G (p.Pro58Arg)

Gene: KMT2A (lysine methyltransferase 2A; plus strand). Cytogenetic location: 11q23.3.
Variant type: single nucleotide variant.
Coding change: c.173C>G on transcript NM_001197104.2 (MANE Select); coding-DNA position 173, C replaced by G.
Protein change: p.Pro58Arg; replaces proline 58 with arginine.
Molecular consequence: missense variant.
Genome position (GRCh38, 1-based): chr11:118,436,685, C>G. VCF-style: chr11-118436685-C-G. GRCh37 (hg19) VCF-style: chr11-118307400-C-G.
Other names: c.173C>G, p.Pro58Arg (NM_001412597.1, NM_005933.4); short protein forms P58R.
Identifiers: ClinVar variation 2900983 (VCV002900983.3), dbSNP rs1266857910, ClinGen allele CA382797406.